The following is an entry in ClinVar:

NM_000057.4(BLM):c.2015A>G (p.Gln672Arg)

Gene: BLM (BLM RecQ like helicase; plus strand). Cytogenetic location: 15q26.1.
Variant type: single nucleotide variant.
Coding change: c.2015A>G on transcript NM_000057.4 (MANE Select); coding-DNA position 2015, A replaced by G.
Protein change: p.Gln672Arg; replaces glutamine 672 with arginine.
Molecular consequence: missense variant.
Genome position (GRCh38, 1-based): chr15:90,763,098, A>G. VCF-style: chr15-90763098-A-G. GRCh37 (hg19) VCF-style: chr15-91306328-A-G.
Other names: c.2015A>G (LRG_20t1); c.2015A>G, p.Gln672Arg (NM_001287246.2, NM_001287247.2); c.890A>G, p.Gln297Arg (NM_001287248.2); short protein forms Q672R, Q297R.
Identifiers: ClinVar variation 188963 (VCV000188963.60), dbSNP rs747281324, ClinGen allele CA274191.

ClinVar aggregate classification (germline): Likely pathogenic. Review status: criteria provided, multiple submitters, no conflicts (2 of 4 stars). 8 submissions from 8 submitters: Likely pathogenic (7). 1 of the submissions does not count toward it. Last evaluated 2025-12-14.

Conditions:
Hereditary cancer-predisposing syndrome. Also called: Tumor predisposition; Neoplastic Syndromes, Hereditary; Hereditary Cancer Syndrome; Hereditary neoplastic syndrome. Identifiers: Orphanet 140162, MedGen C0027672, MeSH D009386, MONDO:0015356.
Bloom syndrome (BLM). Also called: Bloom-Torre-Machacek syndrome. Identifiers: Orphanet 125, MedGen C0005859, MONDO:0008876, OMIM 210900.

Allele frequency attached by ClinVar (database versions not stated): gnomAD 0.00001; TOPMed 0.00001; ExAC 0.00002; gnomAD exomes 0.00002.
gnomAD v4.1: 27 of 1,614,054 alleles (0.0017%); highest among the groups gnomAD compares: Non-Finnish European, 0.0023%; no homozygotes.

Submissions (8):

Labcorp Genetics (formerly Invitae), Labcorp
Classification: Likely pathogenic for Bloom syndrome. Last evaluated: 2025-12-14. Review status: criteria provided, single submitter. Criteria: Invitae Variant Classification Sherloc (09022015). Collection method: clinical testing. Allele origin: germline.
Comment: This sequence change replaces glutamine, which is neutral and polar, with arginine, which is basic and polar, at codon 672 of the BLM protein (p.Gln672Arg). This variant is present in population databases (rs747281324, gnomAD 0.005%). This missense change has been observed in individuals with Bloom syndrome (PMID: 17407155). ClinVar contains an entry for this variant (Variation ID: 188963). Invitae Evidence Modeling of protein sequence and biophysical properties (such as structural, functional, and spatial information, amino acid conservation, physicochemical variation, residue mobility, and thermodynamic stability) indicates that this missense variant is expected to disrupt BLM protein function with a positive predictive value of 80%. Experimental studies have shown that this missense change affects BLM function (PMID: 10069810, 10812332, 12444098, 17878217, 22582397, 31253795). In summary, the currently available evidence indicates that the variant is pathogenic, but additional data are needed to prove that conclusively. Therefore, this variant has been classified as Likely Pathogenic.

Myriad Genetics, Inc.
Classification: Likely pathogenic for Bloom syndrome. Last evaluated: 2025-09-11. Review status: criteria provided, single submitter. Criteria: Myriad Autosomal Dominant, Autosomal Recessive and X-Linked Classification Criteria (2023). Collection method: clinical testing. Allele origin: unknown.
Comment: NM_000057.3(BLM):c.2015A>G(Q672R) is a missense variant classified as likely pathogenic in the context of Bloom syndrome. Q672R has been observed in cases with relevant disease (PMID: 17407155). Relevant functional assessments of this variant are available in the literature (PMID: 10069810, 10812332, 12444098, 17878217, 31253795, 30044990, 22582397). Q672R has been observed in referenced population frequency databases. In summary, NM_000057.3(BLM):c.2015A>G(Q672R) is a missense variant that has functional support for pathogenicity and has been observed more frequently in cases with the relevant disease than in healthy populations. Please note: this variant was assessed in the context of healthy population screening.

Ambry Genetics
Classification: Likely pathogenic for Hereditary cancer-predisposing syndrome. Last evaluated: 2024-07-05. Review status: criteria provided, single submitter. Criteria: Ambry Variant Classification Scheme 2023. Collection method: clinical testing. Allele origin: germline.
Comment: The p.Q672R variant (also known as c.2015A>G), located in coding exon 7 of the BLM gene, results from an A to G substitution at nucleotide position 2015. The glutamine at codon 672 is replaced by arginine, an amino acid with highly similar properties. This alteration was reported in two individuals diagnosed with Bloom syndrome (German J et al. Hum. Mutat. 2007 Aug;28:743-53). Functional studies showed that this alteration has reduces the ATP binding, ATPase and helicase activities of the BLM protein and increases sister chromatid exchange and recombination rates in cells (Guo RB et al. Nucleic Acids Res. 2007 Sep;35:6297-310; Neff NF et al. Mol. Biol. Cell. 1999 Mar;10:665-76; Onoda F et al. Mutat. Res. 2000 Apr;459:203-9). This amino acid position is highly conserved in available vertebrate species. In addition, this alteration is predicted to be deleterious by in silico analysis. Based on the majority of available evidence to date, this variant is likely to be pathogenic.

Baylor Genetics
Classification: Likely pathogenic for Bloom syndrome. Last evaluated: 2023-12-26. Review status: criteria provided, single submitter. Criteria: ACMG Guidelines, 2015. Collection method: clinical testing. Allele origin: unknown.

GeneDx
Classification: Likely pathogenic. Last evaluated: 2023-08-23. Review status: criteria provided, single submitter. Criteria: GeneDx Variant Classification Process June 2021. Collection method: clinical testing. Allele origin: germline. Affected: yes.
Comment: Published functional studies demonstrate a damaging effect: reduced helicase and ATPase activity, impaired nuclear foci formation, and defective chromosomal segregation and protection (Neff et al., 1999; Onoda et al., 2000; Stavropoulos et al., 2002; Guo et al., 2007; Wu et al., 2012; Addis Jones et al., 2019); Observed with a second BLM variant in individuals with Bloom syndrome (German et al., 2007); Not observed at significant frequency in large population cohorts (gnomAD); In silico analysis supports that this missense variant has a deleterious effect on protein structure/function; This variant is associated with the following publications: (PMID: 9840919, 24816114, 10965492, 22582397, 30044990, 31253795, 17878217, 12444098, 26247052, 7585968, 17407155, 10069810, 10812332)

Quest Diagnostics Nichols Institute San Juan Capistrano
Classification: Likely pathogenic. Last evaluated: 2021-03-22. Review status: criteria provided, single submitter. Criteria: Quest Diagnostics criteria. Collection method: clinical testing. Allele origin: unknown.
Comment: This variant has been reported in individuals with Bloom syndrome in the published literature (PMID: 17407155 (2007) and 7585968 (1995)). Functional studies show that this variant is damaging to protein function (PMID: 31253795 (2019), 22582397 (2012), 17878217 (2007), 12444098 (2002), 10812332 (2000), 10069810 (1999)). Predicted to have a damaging effect on the protein. Based on the available information, this variant is classified as likely pathogenic.

CeGaT Center for Human Genetics Tuebingen
Classification: Likely pathogenic. Last evaluated: 2020-08-01. Review status: criteria provided, single submitter. Criteria: CeGaT Center For Human Genetics Tuebingen Variant Classification Criteria Version 2. Collection method: clinical testing. Allele origin: germline. Affected: yes. Observed: 1 variant allele.

Counsyl
Classification: Likely pathogenic for Bloom syndrome. Last evaluated: 2014-09-11. Review status: no assertion criteria provided. Collection method: literature only. Allele origin: unknown. Inheritance: Autosomal recessive inheritance. Not counted in ClinVar's aggregate classification.

Literature cited by the submitters: PubMed 17407155 (cited by 5 submitters); PubMed 10069810 (cited by 5 submitters); PubMed 10812332 (cited by 5 submitters); PubMed 12444098 (cited by 4 submitters); PubMed 17878217 (cited by 5 submitters); PubMed 22582397 (cited by 4 submitters); PubMed 31253795 (cited by 3 submitters); PubMed 30044990 (cited by Myriad Genetics, Inc. and Quest Diagnostics Nichols Institute San Juan Capistrano); PubMed 7585968 (cited by Quest Diagnostics Nichols Institute San Juan Capistrano and Counsyl); PubMed 10965492 (cited by Quest Diagnostics Nichols Institute San Juan Capistrano and Counsyl); PubMed 26247052 (cited by Quest Diagnostics Nichols Institute San Juan Capistrano); PubMed 23276657 (cited by Counsyl); PubMed 15579905 (cited by Counsyl); PubMed 22885301 (cited by Counsyl); PubMed 9840919 (cited by Counsyl).